The following is an entry in ClinVar:

NM_024753.5(TTC21B):c.719T>G (p.Leu240Arg)

Gene: TTC21B (tetratricopeptide repeat domain 21B; minus strand). Cytogenetic location: 2q24.3.
Variant type: single nucleotide variant.
Coding change: c.719T>G on transcript NM_024753.5 (MANE Select); coding-DNA position 719, T replaced by G.
Protein change: p.Leu240Arg; replaces leucine 240 with arginine.
Molecular consequence: missense variant.
Genome position (GRCh38, 1-based): chr2:165,933,049, A>C on the plus strand (T>G on the coding strand, the complement: TTC21B is on the minus strand). VCF-style: chr2-165933049-A-C. GRCh37 (hg19) VCF-style: chr2-166789559-A-C.
Other names: short protein forms L240R.
Identifiers: ClinVar variation 3061435 (VCV003061435.2), dbSNP rs2468219501, ClinGen allele CA349049277.

ClinVar aggregate classification (germline): Uncertain significance (0 of 4 stars; one submission).

Conditions:
TTC21B-related disorder. Also called: TTC21B-related disorders; TTC21B-related condition.

Submission:

PreventionGenetics, part of Exact Sciences
Classification: Uncertain significance for TTC21B-related condition. Last evaluated: 2024-02-27. Review status: no assertion criteria provided. Collection method: clinical testing. Allele origin: germline.
Comment: The TTC21B c.719T>G variant is predicted to result in the amino acid substitution p.Leu240Arg. To our knowledge, this variant has not been reported in the literature or in a large population database, indicating this variant is rare. At this time, the clinical significance of this variant is uncertain due to the absence of conclusive functional and genetic evidence.